The following is an entry in ClinVar:

NM_002184.4(IL6ST):c.323T>G (p.Phe108Cys)

Gene: IL6ST (interleukin 6 cytokine family signal transducer; minus strand). Cytogenetic location: 5q11.2.
Variant type: single nucleotide variant.
Coding change: c.323T>G on transcript NM_002184.4 (MANE Select); coding-DNA position 323, T replaced by G.
Protein change: p.Phe108Cys; replaces phenylalanine 108 with cysteine.
Molecular consequence: missense variant. On other transcripts: 5 prime UTR variant (3), non-coding transcript variant (2), intron variant (1).
Genome position (GRCh38, 1-based): chr5:55,969,597, A>C on the plus strand (T>G on the coding strand, the complement: IL6ST is on the minus strand). VCF-style: chr5-55969597-A-C. GRCh37 (hg19) VCF-style: chr5-55265425-A-C.
Other names: c.323T>G, p.Phe108Cys (NM_001190981.2, NM_001364275.2, NM_175767.3); c.-470T>G (NM_001364277.2, NM_001364279.2); c.-460T>G (NM_001364278.2); c.160+163T>G (NM_001364276.2); short protein forms F108C.
Identifiers: ClinVar variation 1952907 (VCV001952907.5), dbSNP rs1752838513, ClinGen allele CA359770012.

ClinVar aggregate classification (germline): Uncertain significance (1 of 4 stars; one submission).

Allele frequency attached by ClinVar (database versions not stated): gnomAD exomes below 0.00001; TOPMed below 0.00001.
gnomAD v4.1: 4 of 1,613,300 alleles (0.00025%); highest among the groups gnomAD compares: East Asian, 0.0045%; no homozygotes.

Submission:

Labcorp Genetics (formerly Invitae), Labcorp
Classification: Uncertain significance. Last evaluated: 2024-06-26. Review status: criteria provided, single submitter. Criteria: Invitae Variant Classification Sherloc (09022015). Collection method: clinical testing. Allele origin: germline.
Comment: This sequence change replaces phenylalanine, which is neutral and non-polar, with cysteine, which is neutral and slightly polar, at codon 108 of the IL6ST protein (p.Phe108Cys). This variant is not present in population databases (gnomAD no frequency). This variant has not been reported in the literature in individuals affected with IL6ST-related conditions. ClinVar contains an entry for this variant (Variation ID: 1952907). An algorithm developed to predict the effect of missense changes on protein structure and function (PolyPhen-2) suggests that this variant is likely to be disruptive. In summary, the available evidence is currently insufficient to determine the role of this variant in disease. Therefore, it has been classified as a Variant of Uncertain Significance.